The following is an entry in ClinVar:

NM_001365999.1(SZT2):c.7813G>C (p.Glu2605Gln)

Gene: SZT2 (SZT2 subunit of KICSTOR complex; plus strand). Cytogenetic location: 1p34.2.
Variant type: single nucleotide variant.
Coding change: c.7813G>C on transcript NM_001365999.1 (MANE Select); coding-DNA position 7813, G replaced by C.
Protein change: p.Glu2605Gln; replaces glutamic acid 2605 with glutamine.
Molecular consequence: missense variant.
Genome position (GRCh38, 1-based): chr1:43,442,070, G>C. VCF-style: chr1-43442070-G-C. GRCh37 (hg19) VCF-style: chr1-43907741-G-C.
Other names: c.7642G>C, p.Glu2548Gln (NM_015284.4); c.7642G>C (NM_015284.3); short protein forms E2605Q, E2548Q.
Identifiers: ClinVar variation 2042109 (VCV002042109.5), dbSNP rs779932764, ClinGen allele CA810348.

ClinVar aggregate classification (germline): Uncertain significance. Review status: criteria provided, multiple submitters, no conflicts (2 of 4 stars). 2 submissions from 2 submitters: Uncertain significance (2). Last evaluated 2024-11-20.

Conditions:
Inborn genetic diseases. Identifiers: MedGen C0950123, MeSH D030342.

gnomAD v4.1: 2 of 1,614,112 alleles (0.00012%); highest among the groups gnomAD compares: South Asian, 0.0022%; no homozygotes.

Submissions (2):

Ambry Genetics
Classification: Uncertain significance for Inborn genetic diseases. Last evaluated: 2024-11-20. Review status: criteria provided, single submitter. Criteria: Ambry Variant Classification Scheme 2023. Collection method: clinical testing. Allele origin: germline.

Labcorp Genetics (formerly Invitae), Labcorp
Classification: Uncertain significance. Last evaluated: 2021-12-13. Review status: criteria provided, single submitter. Criteria: Invitae Variant Classification Sherloc (09022015). Collection method: clinical testing. Allele origin: germline.
Comment: This sequence change replaces glutamic acid, which is acidic and polar, with glutamine, which is neutral and polar, at codon 2548 of the SZT2 protein (p.Glu2548Gln). This variant is present in population databases (rs779932764, gnomAD 0.003%). This variant has not been reported in the literature in individuals affected with SZT2-related conditions. Algorithms developed to predict the effect of missense changes on protein structure and function output the following: SIFT: "Tolerated"; PolyPhen-2: "Benign"; Align-GVGD: "Class C0". The glutamine amino acid residue is found in multiple mammalian species, which suggests that this missense change does not adversely affect protein function. In summary, the available evidence is currently insufficient to determine the role of this variant in disease. Therefore, it has been classified as a Variant of Uncertain Significance.